The following is an entry in ClinVar:

ClinVar aggregate classification (germline): Uncertain significance. Review status: criteria provided, multiple submitters, no conflicts (2 of 4 stars). 4 submissions from 4 submitters: Uncertain significance (4). Last evaluated 2026-07-22.

Conditions:
CEP290-related disorder. Also called: CEP290-related condition; CEP290-related disorders. Identifiers: MedGen CN239314.
Joubert syndrome 5 (JBTS5). Identifiers: Orphanet 2318, MedGen C1857780, MONDO:0012432, OMIM 610188.
Leber congenital amaurosis 10 (LCA10). Identifiers: Orphanet 65, MedGen C1857821, MONDO:0012723, OMIM 611755.
Meckel syndrome, type 4 (MKS4). Also called: MECKEL-GRUBER SYNDROME, TYPE 4. Identifiers: Orphanet 564, MedGen C1970161, MONDO:0012626, OMIM 611134.
Senior-Loken syndrome 6 (SLSN6). Identifiers: Orphanet 3156, MedGen C1857779, MONDO:0012433, OMIM 610189.
Bardet-Biedl syndrome 14 (BBS14). Identifiers: Orphanet 110, MedGen C2673874, MONDO:0014442, OMIM 615991.
Inborn genetic diseases. Identifiers: MedGen C0950123, MeSH D030342.
Meckel-Gruber syndrome. Also called: DYSENCEPHALIA SPLANCHNOCYSTICA; GRUBER SYNDROME; Dysencephalia splachnocystica. Identifiers: Orphanet 564, MedGen C0265215, MONDO:0018921.
Nephronophthisis. Also called: Juvenile Nephronophthisis. Identifiers: Orphanet 655, MedGen C0687120, MONDO:0019005, HP:0000090.
Joubert syndrome. Also called: Familial aplasia of the vermis; JOUBERT-BOLTSHAUSER SYNDROME. Identifiers: Orphanet 475, MedGen C5979921, MONDO:0018772.

Allele frequency attached by ClinVar (database versions not stated): gnomAD exomes below 0.00001; TOPMed below 0.00001; gnomAD 0.00001.
gnomAD v4.1: 2 of 1,612,624 alleles (0.00012%); highest among the groups gnomAD compares: Admixed American, 0.0033%; no homozygotes.

Submissions (4):

PreventionGenetics, part of Exact Sciences
Classification: Uncertain significance for CEP290-related condition. Last evaluated: 2026-07-22. Review status: criteria provided, single submitter. Criteria: ACMG Guidelines, 2015. Collection method: clinical testing. Allele origin: germline.
Comment: The CEP290 c.3253A>G variant is predicted to result in the amino acid substitution p.Thr1085Ala. To our knowledge, this variant has not been reported in the literature. This variant is reported in 0.0057% of alleles in individuals of Latino descent in gnomAD. At this time, the clinical significance of this variant is uncertain due to the absence of conclusive functional and genetic evidence.

Labcorp Genetics (formerly Invitae), Labcorp
Classification: Uncertain significance for Joubert syndrome; Meckel-Gruber syndrome; Nephronophthisis. Last evaluated: 2026-01-12. Review status: criteria provided, single submitter. Criteria: Invitae Variant Classification Sherloc (09022015). Collection method: clinical testing. Allele origin: germline.
Comment: This sequence change replaces threonine, which is neutral and polar, with alanine, which is neutral and non-polar, at codon 1085 of the CEP290 protein (p.Thr1085Ala). The frequency data for this variant in the population databases is considered unreliable, as metrics indicate poor data quality at this position in the gnomAD database. This variant has not been reported in the literature in individuals affected with CEP290-related conditions. ClinVar contains an entry for this variant (Variation ID: 1953193). Invitae Evidence Modeling of protein sequence and biophysical properties (such as structural, functional, and spatial information, amino acid conservation, physicochemical variation, residue mobility, and thermodynamic stability) indicates that this missense variant is not expected to disrupt CEP290 protein function with a negative predictive value of 80%. In summary, the available evidence is currently insufficient to determine the role of this variant in disease. Therefore, it has been classified as a Variant of Uncertain Significance.

Ambry Genetics
Classification: Uncertain significance for Inborn genetic diseases. Last evaluated: 2025-08-12. Review status: criteria provided, single submitter. Criteria: Ambry Variant Classification Scheme 2023. Collection method: clinical testing. Allele origin: germline.

Fulgent Genetics
Classification: Uncertain significance for Joubert syndrome 5; Senior-Loken syndrome 6; Meckel syndrome, type 4; Leber congenital amaurosis 10; Bardet-Biedl syndrome 14. Last evaluated: 2024-04-10. Review status: criteria provided, single submitter. Criteria: ACMG Guidelines, 2015. Collection method: clinical testing. Allele origin: germline.

NM_025114.4(CEP290):c.3253A>G (p.Thr1085Ala)

Gene: CEP290 (centrosomal protein 290; minus strand). Cytogenetic location: 12q21.32.
Variant type: single nucleotide variant.
Coding change: c.3253A>G on transcript NM_025114.4 (MANE Select); coding-DNA position 3253, A replaced by G.
Protein change: p.Thr1085Ala; replaces threonine 1085 with alanine.
Molecular consequence: missense variant.
Genome position (GRCh38, 1-based): chr12:88,093,826, T>C on the plus strand (A>G on the coding strand, the complement: CEP290 is on the minus strand). VCF-style: chr12-88093826-T-C. GRCh37 (hg19) VCF-style: chr12-88487603-T-C.
Other names: c.3253A>G (NM_025114.3); short protein forms T1085A.
Identifiers: ClinVar variation 1953193 (VCV001953193.8), dbSNP rs966339864, ClinGen allele CA241168615.